The following is an entry in ClinVar:

NM_025099.6(CTC1):c.1904T>G (p.Leu635Arg)

Gene: CTC1 (CST telomere replication complex component 1; minus strand). Cytogenetic location: 17p13.1.
Variant type: single nucleotide variant.
Coding change: c.1904T>G on transcript NM_025099.6 (MANE Select); coding-DNA position 1904, T replaced by G.
Protein change: p.Leu635Arg; replaces leucine 635 with arginine.
Molecular consequence: missense variant. On other transcripts: non-coding transcript variant (1).
Genome position (GRCh38, 1-based): chr17:8,232,947, A>C on the plus strand (T>G on the coding strand, the complement: CTC1 is on the minus strand). VCF-style: chr17-8232947-A-C. GRCh37 (hg19) VCF-style: chr17-8136265-A-C.
Other names: short protein forms L635R.
Identifiers: ClinVar variation 843548 (VCV000843548.9), dbSNP rs763326051, ClinGen allele CA8372240.

ClinVar aggregate classification (germline): Uncertain significance. Review status: criteria provided, multiple submitters, no conflicts (2 of 4 stars). 2 submissions from 2 submitters: Uncertain significance (2). Last evaluated 2024-11-11.

Conditions:
Dyskeratosis congenita. Identifiers: Orphanet 1775, MedGen C0265965, MONDO:0015780.

Allele frequency attached by ClinVar (database versions not stated): ExAC 0.00002; gnomAD exomes 0.00003 and 0.00004; TOPMed 0.00003; gnomAD 0.00005.

Submissions (2):

Labcorp Genetics (formerly Invitae), Labcorp
Classification: Uncertain significance for Dyskeratosis congenita. Last evaluated: 2024-11-11. Review status: criteria provided, single submitter. Criteria: Invitae Variant Classification Sherloc (09022015). Collection method: clinical testing. Allele origin: germline.
Comment: This sequence change replaces leucine, which is neutral and non-polar, with arginine, which is basic and polar, at codon 635 of the CTC1 protein (p.Leu635Arg). The frequency data for this variant in the population databases is considered unreliable, as metrics indicate poor data quality at this position in the gnomAD database. This variant has not been reported in the literature in individuals affected with CTC1-related conditions. ClinVar contains an entry for this variant (Variation ID: 843548). Invitae Evidence Modeling of protein sequence and biophysical properties (such as structural, functional, and spatial information, amino acid conservation, physicochemical variation, residue mobility, and thermodynamic stability) indicates that this missense variant is expected to disrupt CTC1 protein function with a positive predictive value of 80%. In summary, the available evidence is currently insufficient to determine the role of this variant in disease. Therefore, it has been classified as a Variant of Uncertain Significance.

Blueprint Genetics
Classification: Uncertain significance. Last evaluated: 2023-10-10. Review status: criteria provided, single submitter. Criteria: ACMG Guidelines, 2015. Collection method: clinical testing. Allele origin: germline.